The following is an entry in ClinVar:

ClinVar aggregate classification (germline): Uncertain significance (1 of 4 stars; one submission).

Conditions:
Hereditary cancer-predisposing syndrome. Also called: Tumor predisposition; Hereditary Cancer Syndrome; Hereditary neoplastic syndrome; Neoplastic Syndromes, Hereditary. Identifiers: Orphanet 140162, MedGen C0027672, MeSH D009386, MONDO:0015356.

gnomAD v4.1: 1 of 1,583,546 alleles (0.000063%); highest among the groups gnomAD compares: Non-Finnish European, 0.000086%; no homozygotes.

Submission:

Ambry Genetics
Classification: Uncertain significance for Hereditary cancer-predisposing syndrome. Last evaluated: 2024-03-27. Review status: criteria provided, single submitter. Criteria: Ambry Variant Classification Scheme 2023. Collection method: clinical testing. Allele origin: germline.
Comment: The p.Q908K variant (also known as c.2722C>A), located in coding exon 16 of the ALK gene, results from a C to A substitution at nucleotide position 2722. The glutamine at codon 908 is replaced by lysine, an amino acid with similar properties. This amino acid position is conserved. In addition, the in silico prediction for this alteration is inconclusive. Based on the available evidence, the clinical significance of this alteration remains unclear.

NM_004304.5(ALK):c.2722C>A (p.Gln908Lys)

Gene: ALK (ALK receptor tyrosine kinase; minus strand). Cytogenetic location: 2p23.2.
Variant type: single nucleotide variant.
Coding change: c.2722C>A on transcript NM_004304.5 (MANE Select); coding-DNA position 2722, C replaced by A.
Protein change: p.Gln908Lys; replaces glutamine 908 with lysine.
Molecular consequence: missense variant.
Genome position (GRCh38, 1-based): chr2:29,228,977, G>T on the plus strand (C>A on the coding strand, the complement: ALK is on the minus strand). VCF-style: chr2-29228977-G-T. GRCh37 (hg19) VCF-style: chr2-29451843-G-T.
Other names: short protein forms Q908K.
Identifiers: ClinVar variation 3285737 (VCV003285737.1).